The following is an entry in ClinVar:

ClinVar aggregate classification (germline): Pathogenic/Likely pathogenic. Review status: criteria provided, multiple submitters, no conflicts (2 of 4 stars). 3 submissions from 3 submitters: Pathogenic (2); Likely pathogenic (1). Last evaluated 2026-09-23.

Conditions:
MYO15A-related disorder. Also called: MYO15A-related condition.

Allele frequency attached by ClinVar (database versions not stated): TOPMed 0.00001; gnomAD 0.00001; gnomAD exomes below 0.00001.
gnomAD v4.1: 2 of 1,590,020 alleles (0.00013%); highest among the groups gnomAD compares: Admixed American, 0.0035%; no homozygotes.

Submissions (3):

GeneDx
Classification: Likely pathogenic. Last evaluated: 2026-09-23. Review status: criteria provided, single submitter. Criteria: GeneDx Variant Classification Process June 2021. Collection method: clinical testing. Allele origin: germline.
Comment: Observed with a second variant in an unknown phase in an individual with sensorineural hearing loss in published literature (PMID: 31581539); Canonical splice site variant predicted to result in an in-frame loss of the adjacent exon in a gene for which loss of function is a known mechanism of disease; Not observed at significant frequency in large population cohorts (gnomAD); This variant is associated with the following publications: (PMID: 31581539, 36147510, 34974475)

PreventionGenetics, part of Exact Sciences
Classification: Pathogenic for MYO15A-related condition. Last evaluated: 2025-01-13. Review status: criteria provided, single submitter. Criteria: ACMG Guidelines, 2015. Collection method: clinical testing. Allele origin: germline.
Comment: The MYO15A c.6956+1G>A variant is predicted to disrupt the GT donor site and interfere with normal splicing. This variant was reported in two patients as causative for autosomal recessive hearing loss (Wu et al. 2019. PubMed ID: 31581539; Chen et al. 2021. PubMed ID: 34974475). This variant is reported in 0.0065% of alleles in individuals of East Asian descent in gnomAD. Variants that disrupt the consensus splice donor site in MYO15A are expected to be pathogenic. This variant is interpreted as pathogenic.

Labcorp Genetics (formerly Invitae), Labcorp
Classification: Pathogenic. Last evaluated: 2024-06-29. Review status: criteria provided, single submitter. Criteria: Invitae Variant Classification Sherloc (09022015). Collection method: clinical testing. Allele origin: germline.
Comment: This sequence change affects a donor splice site in intron 33 of the MYO15A gene. It is expected to disrupt RNA splicing. Variants that disrupt the donor or acceptor splice site typically lead to a loss of protein function (PMID: 16199547), and loss-of-function variants in MYO15A are known to be pathogenic (PMID: 17546645). The frequency data for this variant in the population databases is considered unreliable, as metrics indicate poor data quality at this position in the gnomAD database. Disruption of this splice site has been observed in individual(s) with autosomal recessive sensorineural hearing loss (PMID: 31581539, 34974475). In at least one individual the data is consistent with being in trans (on the opposite chromosome) from a pathogenic variant. ClinVar contains an entry for this variant (Variation ID: 1207740). Algorithms developed to predict the effect of sequence changes on RNA splicing suggest that this variant may disrupt the consensus splice site. For these reasons, this variant has been classified as Pathogenic.

Literature cited by the submitters: PubMed 16199547 (cited by Labcorp Genetics (formerly Invitae), Labcorp); PubMed 17546645 (cited by Labcorp Genetics (formerly Invitae), Labcorp); PubMed 31581539 (cited by Labcorp Genetics (formerly Invitae), Labcorp); PubMed 34974475 (cited by Labcorp Genetics (formerly Invitae), Labcorp).

NM_016239.4(MYO15A):c.6956+1G>A

Gene: MYO15A (myosin XVA; plus strand). Cytogenetic location: 17p11.2.
Variant type: single nucleotide variant.
Coding change: c.6956+1G>A on transcript NM_016239.4 (MANE Select); the canonical splice donor site of the intron after coding-DNA position 6956, G replaced by A.
Molecular consequence: splice donor variant.
Genome position (GRCh38, 1-based): chr17:18,148,953, G>A. VCF-style: chr17-18148953-G-A. GRCh37 (hg19) VCF-style: chr17-18052267-G-A.
Other names: c.6956+1G>A (NM_016239.3).
Identifiers: ClinVar variation 1207740 (VCV001207740.8), dbSNP rs1465311328, ClinGen allele CA398613516.
Genomic context (GRCh38, chr17:18,148,953, plus strand): 5'-GAAGTCCTACTTCATTGTGGGCACAGAGGGGCCTGCAGCCAGCAGGGGAGGCCCCAAAGT[G>A]TAGGTAGCTATGGGGGACCCCCTCACAGATGGCCACTCCCAGGCAGAAGGCCGGCCACTC-3'